The following is an entry in ClinVar:

NM_001142864.4(PIEZO1):c.1702C>T (p.Leu568=)

Genes: HSALR1 (HSP90AB1 associated lncRNA 1; plus strand), PIEZO1 (piezo type mechanosensitive ion channel component 1 (Er blood group); minus strand). Cytogenetic location: 16q24.3.
Variant type: single nucleotide variant.
Coding change: c.1702C>T on transcript NM_001142864.4 (MANE Select); coding-DNA position 1702, C replaced by T.
Protein change: p.Leu568=; no amino-acid change (leucine 568 retained).
Molecular consequence: synonymous variant.
Genome position (GRCh38, 1-based): chr16:88,735,021, G>A on the plus strand (C>T on the coding strand, the complement: PIEZO1 is on the minus strand). VCF-style: chr16-88735021-G-A. GRCh37 (hg19) VCF-style: chr16-88801429-G-A.
Other names: p.Leu568=.
Identifiers: ClinVar variation 781232 (VCV000781232.24), dbSNP rs114584865, ClinGen allele CA8232927.

ClinVar aggregate classification (germline): Benign/Likely benign. Review status: criteria provided, multiple submitters, no conflicts (2 of 4 stars). 5 submissions from 5 submitters: Benign (2); Likely benign (2). 1 of the submissions does not count toward it. Last evaluated 2026-01-20.

Conditions:
PIEZO1-related disorder. Also called: PIEZO1-related condition; PIEZO1-Related Disorders.

Allele frequency attached by ClinVar (database versions not stated): ExAC 0.00273; gnomAD 0.00736 and 0.00796; ESP Exome Variant Server 0.00832; TOPMed 0.00838; 1000 Genomes Project 0.00899; 1000 Genomes Project 30x 0.00999.
gnomAD v4.1: 2,067 of 1,550,490 alleles (0.13%); highest among the groups gnomAD compares: African/African-American, 2.5%; 27 homozygotes.

Submissions (5):

Labcorp Genetics (formerly Invitae), Labcorp
Classification: Benign. Last evaluated: 2026-01-20. Review status: criteria provided, single submitter. Criteria: Invitae Variant Classification Sherloc (09022015). Collection method: clinical testing. Allele origin: germline.

ARUP Laboratories, Molecular Genetics and Genomics, ARUP Laboratories
Classification: Benign. Last evaluated: 2025-07-25. Review status: criteria provided, single submitter. Criteria: ARUP Molecular Germline Variant Investigation Process 2024. Collection method: clinical testing. Allele origin: germline.

Mayo Clinic Laboratories, Mayo Clinic
Classification: Likely benign. Last evaluated: 2025-02-19. Review status: criteria provided, single submitter. Criteria: ACMG Guidelines, 2015. Collection method: clinical testing. Allele origin: germline. Observed: 34 variant alleles.
Comment: BS2, BP4, BP7

Breakthrough Genomics
Classification: Likely benign. Review status: criteria provided, single submitter. Criteria: ACMG Guidelines, 2015. Collection method: not provided. Allele origin: germline. Inheritance: Autosomal recessive inheritance. Affected: yes.

PreventionGenetics, part of Exact Sciences
Classification: Benign for PIEZO1-related condition. Last evaluated: 2019-03-28. Review status: no assertion criteria provided. Collection method: clinical testing. Allele origin: germline. Not counted in ClinVar's aggregate classification.
Comment: This variant is classified as benign based on ACMG/AMP sequence variant interpretation guidelines (Richards et al. 2015 PMID: 25741868, with internal and published modifications).